The following is an entry in ClinVar:

ClinVar aggregate classification (germline): Uncertain significance. Review status: criteria provided, multiple submitters, no conflicts (2 of 4 stars). 4 submissions from 4 submitters: Uncertain significance (4). Last evaluated 2025-02-21.

Conditions:
Inborn genetic diseases. Identifiers: MedGen C0950123, MeSH D030342.
LAMA2-related muscular dystrophy (LAMA2-RD). Also called: Laminin alpha 2-related dystrophy. Identifiers: MedGen C5679788, MONDO:0100228.

Allele frequency attached by ClinVar (database versions not stated): gnomAD exomes 0.00001; ExAC 0.00002; gnomAD 0.00004; ESP Exome Variant Server 0.00008; TOPMed 0.00008.
gnomAD v4.1: 17 of 1,577,680 alleles (0.0011%); highest among the groups gnomAD compares: African/African-American, 0.022%; no homozygotes.

Submissions (4):

GeneDx
Classification: Uncertain significance. Last evaluated: 2025-02-21. Review status: criteria provided, single submitter. Criteria: GeneDx Variant Classification Process June 2021. Collection method: clinical testing. Allele origin: germline. Affected: yes.
Comment: In silico analysis supports that this missense variant has a deleterious effect on protein structure/function; Has not been previously published as pathogenic or benign to our knowledge

Labcorp Genetics (formerly Invitae), Labcorp
Classification: Uncertain significance for LAMA2-related muscular dystrophy. Last evaluated: 2024-09-06. Review status: criteria provided, single submitter. Criteria: Invitae Variant Classification Sherloc (09022015). Collection method: clinical testing. Allele origin: germline.
Comment: This sequence change replaces leucine, which is neutral and non-polar, with phenylalanine, which is neutral and non-polar, at codon 595 of the LAMA2 protein (p.Leu595Phe). This variant is present in population databases (rs368467579, gnomAD 0.05%). This variant has not been reported in the literature in individuals affected with LAMA2-related conditions. ClinVar contains an entry for this variant (Variation ID: 1945110). An algorithm developed to predict the effect of missense changes on protein structure and function (PolyPhen-2) suggests that this variant is likely to be disruptive. In summary, the available evidence is currently insufficient to determine the role of this variant in disease. Therefore, it has been classified as a Variant of Uncertain Significance.

Revvity Omics, Revvity
Classification: Uncertain significance. Last evaluated: 2024-03-04. Review status: criteria provided, single submitter. Criteria: ACMG Guidelines, 2015. Collection method: clinical testing. Allele origin: germline.

Ambry Genetics
Classification: Uncertain significance for Inborn genetic diseases. Last evaluated: 2022-05-27. Review status: criteria provided, single submitter. Criteria: Ambry Variant Classification Scheme 2023. Collection method: clinical testing. Allele origin: germline.

NM_000426.4(LAMA2):c.1783C>T (p.Leu595Phe)

Gene: LAMA2 (laminin subunit alpha 2; plus strand). Cytogenetic location: 6q22.33.
Variant type: single nucleotide variant.
Coding change: c.1783C>T on transcript NM_000426.4 (MANE Select); coding-DNA position 1783, C replaced by T.
Protein change: p.Leu595Phe; replaces leucine 595 with phenylalanine.
Molecular consequence: missense variant.
Genome position (GRCh38, 1-based): chr6:129,250,112, C>T. VCF-style: chr6-129250112-C-T. GRCh37 (hg19) VCF-style: chr6-129571257-C-T.
Other names: c.1783C>T, p.Leu595Phe (NM_001079823.2); short protein forms L595F.
Identifiers: ClinVar variation 1945110 (VCV001945110.8), dbSNP rs368467579, ClinGen allele CA3992748.